The following is an entry in ClinVar:

NM_000350.3(ABCA4):c.1201A>G (p.Thr401Ala)

Gene: ABCA4 (ATP binding cassette subfamily A member 4; minus strand). Cytogenetic location: 1p22.1.
Variant type: single nucleotide variant.
Coding change: c.1201A>G on transcript NM_000350.3 (MANE Select); coding-DNA position 1201, A replaced by G.
Protein change: p.Thr401Ala; replaces threonine 401 with alanine.
Molecular consequence: missense variant.
Genome position (GRCh38, 1-based): chr1:94,079,360, T>C on the plus strand (A>G on the coding strand, the complement: ABCA4 is on the minus strand). VCF-style: chr1-94079360-T-C. GRCh37 (hg19) VCF-style: chr1-94544916-T-C.
Other names: c.1201A>G, p.Thr401Ala (NM_001425324.1); short protein forms T401A.
Identifiers: ClinVar variation 2170510 (VCV002170510.1), dbSNP rs559674920, ClinGen allele CA958610.

ClinVar aggregate classification (germline): Uncertain significance (1 of 4 stars; one submission).

Allele frequency attached by ClinVar (database versions not stated): TOPMed 0.00001.
gnomAD v4.1: 14 of 1,613,822 alleles (0.00087%); highest among the groups gnomAD compares: South Asian, 0.0099%; no homozygotes.

Submission:

Labcorp Genetics (formerly Invitae), Labcorp
Classification: Uncertain significance. Last evaluated: 2022-02-09. Review status: criteria provided, single submitter. Criteria: Invitae Variant Classification Sherloc (09022015). Collection method: clinical testing. Allele origin: germline.
Comment: This sequence change replaces threonine, which is neutral and polar, with alanine, which is neutral and non-polar, at codon 401 of the ABCA4 protein (p.Thr401Ala). This variant is present in population databases (rs559674920, gnomAD 0.02%). This variant has not been reported in the literature in individuals affected with ABCA4-related conditions. Advanced modeling of protein sequence and biophysical properties (such as structural, functional, and spatial information, amino acid conservation, physicochemical variation, residue mobility, and thermodynamic stability) performed at Invitae indicates that this missense variant is not expected to disrupt ABCA4 protein function. This variant disrupts the p.Thr401 amino acid residue in ABCA4. Other variant(s) that disrupt this residue have been determined to be pathogenic (PMID: 29925512, 30060493). This suggests that this residue is clinically significant, and that variants that disrupt this residue are likely to be disease-causing. In summary, the available evidence is currently insufficient to determine the role of this variant in disease. Therefore, it has been classified as a Variant of Uncertain Significance.

Literature cited by the submitters: PubMed 29925512; PubMed 30060493.